The following is an entry in ClinVar:

NM_152617.4(RNF168):c.209C>A (p.Ser70Tyr)

Gene: RNF168 (ring finger protein 168; minus strand). Cytogenetic location: 3q29.
Variant type: single nucleotide variant.
Coding change: c.209C>A on transcript NM_152617.4 (MANE Select); coding-DNA position 209, C replaced by A.
Protein change: p.Ser70Tyr; replaces serine 70 with tyrosine.
Molecular consequence: missense variant.
Genome position (GRCh38, 1-based): chr3:196,502,965, G>T on the plus strand (C>A on the coding strand, the complement: RNF168 is on the minus strand). VCF-style: chr3-196502965-G-T. GRCh37 (hg19) VCF-style: chr3-196229836-G-T.
Other names: short protein forms S70Y.
Identifiers: ClinVar variation 3709799 (VCV003709799.1).

ClinVar aggregate classification (germline): Uncertain significance (1 of 4 stars; one submission).

gnomAD v4.1: 20 of 1,613,878 alleles (0.0012%); highest among the groups gnomAD compares: Non-Finnish European, 0.0017%; no homozygotes.

Submission:

Labcorp Genetics (formerly Invitae), Labcorp
Classification: Uncertain significance. Last evaluated: 2024-03-07. Review status: criteria provided, single submitter. Criteria: Invitae Variant Classification Sherloc (09022015). Collection method: clinical testing. Allele origin: germline.
Comment: This sequence change replaces serine, which is neutral and polar, with tyrosine, which is neutral and polar, at codon 70 of the RNF168 protein (p.Ser70Tyr). This variant is present in population databases (no rsID available, gnomAD 0.0009%). This variant has not been reported in the literature in individuals affected with RNF168-related conditions. An algorithm developed to predict the effect of missense changes on protein structure and function (PolyPhen-2) suggests that this variant¬†is likely to be tolerated. In summary, the available evidence is currently insufficient to determine the role of this variant in disease. Therefore, it has been classified as a Variant of Uncertain Significance.